The following is an entry in ClinVar:

ClinVar aggregate classification (germline): Uncertain significance (1 of 4 stars; one submission).

Submission:

Labcorp Genetics (formerly Invitae), Labcorp
Classification: Uncertain significance. Last evaluated: 2023-07-07. Review status: criteria provided, single submitter. Criteria: Invitae Variant Classification Sherloc (09022015). Collection method: clinical testing. Allele origin: germline.
Comment: This sequence change replaces glycine, which is neutral and non-polar, with arginine, which is basic and polar, at codon 492 of the BACH2 protein (p.Gly492Arg). This variant is not present in population databases (gnomAD no frequency). This variant has not been reported in the literature in individuals affected with BACH2-related conditions. ClinVar contains an entry for this variant (Variation ID: 1715247). Advanced modeling of protein sequence and biophysical properties (such as structural, functional, and spatial information, amino acid conservation, physicochemical variation, residue mobility, and thermodynamic stability) performed at Invitae indicates that this missense variant is not expected to disrupt BACH2 protein function. In summary, the available evidence is currently insufficient to determine the role of this variant in disease. Therefore, it has been classified as a Variant of Uncertain Significance.

NM_021813.4(BACH2):c.1474G>A (p.Gly492Arg)

Gene: BACH2 (BACH transcriptional regulator 2; minus strand). Cytogenetic location: 6q15.
Variant type: single nucleotide variant.
Coding change: c.1474G>A on transcript NM_021813.4 (MANE Select); coding-DNA position 1474, G replaced by A.
Protein change: p.Gly492Arg; replaces glycine 492 with arginine.
Molecular consequence: missense variant.
Genome position (GRCh38, 1-based): chr6:89,950,632, C>T on the plus strand (G>A on the coding strand, the complement: BACH2 is on the minus strand). VCF-style: chr6-89950632-C-T. GRCh37 (hg19) VCF-style: chr6-90660351-C-T.
Other names: c.1474G>A, p.Gly492Arg (NM_001170794.2); short protein forms G492R.
Identifiers: ClinVar variation 1715247 (VCV001715247.5), dbSNP rs1486208651, ClinGen allele CA365070761.